The following is an entry in ClinVar:

NM_005120.3(MED12):c.380C>T (p.Thr127Met)

Gene: MED12 (mediator complex subunit 12; plus strand). Cytogenetic location: Xq13.1.
Variant type: single nucleotide variant.
Coding change: c.380C>T on transcript NM_005120.3 (MANE Select); coding-DNA position 380, C replaced by T.
Protein change: p.Thr127Met; replaces threonine 127 with methionine.
Molecular consequence: missense variant.
Genome position (GRCh38, 1-based): chrX:71,119,861, C>T. VCF-style: chrX-71119861-C-T. GRCh37 (hg19) VCF-style: chrX-70339711-C-T.
Other names: short protein forms T127M.
Identifiers: ClinVar variation 240097 (VCV000240097.10), dbSNP rs775072642, ClinGen allele CA10444027.

ClinVar aggregate classification (germline): Conflicting classifications of pathogenicity. Review status: criteria provided, conflicting classifications (1 of 4 stars). 2 submissions from 2 submitters: Uncertain significance (1); Benign (1). Last evaluated 2026-04-27.

Conditions:
Familial thoracic aortic aneurysm and aortic dissection (TAAD). Also called: Thoracic aortic aneurysms and dissections. Identifiers: Orphanet 91387, MedGen C4707243, MONDO:0019625.
FG syndrome (FGS). Identifiers: MedGen C0220769, MONDO:0002010.

Allele frequency attached by ClinVar (database versions not stated): ExAC 0.00002; gnomAD exomes 0.00001 and 0.00002.

Submissions (2):

Ambry Genetics
Classification: Uncertain significance for Familial thoracic aortic aneurysm and aortic dissection. Last evaluated: 2026-04-27. Review status: criteria provided, single submitter. Criteria: Ambry Variant Classification Scheme 2023. Collection method: clinical testing. Allele origin: germline.
Comment: The p.T127M variant (also known as c.380C>T), located in coding exon 3 of the MED12 gene, results from a C to T substitution at nucleotide position 380. The threonine at codon 127 is replaced by methionine, an amino acid with similar properties. This amino acid position is conserved. In addition, the in silico prediction for this alteration is inconclusive. Based on the available evidence, the clinical significance of this variant remains unclear.

Labcorp Genetics (formerly Invitae), Labcorp
Classification: Benign for FG syndrome. Last evaluated: 2025-12-02. Review status: criteria provided, single submitter. Criteria: Invitae Variant Classification Sherloc (09022015). Collection method: clinical testing. Allele origin: germline.